The following is an entry in ClinVar:

NM_001384910.1(GUCA1A):c.433G>A (p.Val145Ile)

Genes: GUCA1A (guanylate cyclase activator 1A; plus strand), GUCA1ANB-GUCA1A (GUCA1ANB-GUCA1A readthrough; plus strand). Cytogenetic location: 6p21.1.
Variant type: single nucleotide variant.
Coding change: c.433G>A on transcript NM_001384910.1 (MANE Select); coding-DNA position 433, G replaced by A.
Protein change: p.Val145Ile; replaces valine 145 with isoleucine.
Molecular consequence: missense variant.
Genome position (GRCh38, 1-based): chr6:42,178,883, G>A. VCF-style: chr6-42178883-G-A. GRCh37 (hg19) VCF-style: chr6-42146621-G-A.
Other names: c.433G>A, p.Val145Ile (NM_001319061.2, NM_001319062.2, NM_000409.5); short protein forms V145I.
Identifiers: ClinVar variation 2957379 (VCV002957379.3), dbSNP rs769174329, ClinGen allele CA3805402.

ClinVar aggregate classification (germline): Uncertain significance (1 of 4 stars; one submission).

Allele frequency attached by ClinVar (database versions not stated): gnomAD exomes 0.00001; ExAC 0.00002.
gnomAD v4.1: 13 of 1,612,444 alleles (0.00081%); highest among the groups gnomAD compares: South Asian, 0.0088%; no homozygotes.

Submission:

Labcorp Genetics (formerly Invitae), Labcorp
Classification: Uncertain significance. Last evaluated: 2023-03-21. Review status: criteria provided, single submitter. Criteria: Invitae Variant Classification Sherloc (09022015). Collection method: clinical testing. Allele origin: germline.
Comment: This sequence change replaces valine, which is neutral and non-polar, with isoleucine, which is neutral and non-polar, at codon 145 of the GUCA1A protein (p.Val145Ile). This variant is present in population databases (rs769174329, gnomAD 0.006%). This variant has not been reported in the literature in individuals affected with GUCA1A-related conditions. Algorithms developed to predict the effect of missense changes on protein structure and function output the following: SIFT: "Not Available"; PolyPhen-2: "Benign"; Align-GVGD: "Not Available". The isoleucine amino acid residue is found in multiple mammalian species, which suggests that this missense change does not adversely affect protein function. In summary, the available evidence is currently insufficient to determine the role of this variant in disease. Therefore, it has been classified as a Variant of Uncertain Significance.